The following is an entry in ClinVar:

ClinVar aggregate classification (germline): Conflicting classifications of pathogenicity. Review status: criteria provided, conflicting classifications (1 of 4 stars). 5 submissions from 5 submitters: Likely pathogenic (3); Uncertain significance (2). Last evaluated 2025-03-13.

Conditions:
Polycystic kidney disease 4 (PKD4). Also called: POLYCYSTIC KIDNEY AND HEPATIC DISEASE 1; POLYCYSTIC KIDNEY DISEASE, INFANTILE, TYPE I; POLYCYSTIC KIDNEY DISEASE 4 WITH OR WITHOUT POLYCYSTIC LIVER DISEASE; PKD3; Autosomal Recessive Polycystic Kidney Disease – PKHD1. Identifiers: MedGen C4540575, MONDO:0033004, OMIM 263200.
PKHD1-related disorder. Also called: PKHD1-related condition.

Allele frequency attached by ClinVar (database versions not stated): ExAC 0.00001; gnomAD 0.00001; TOPMed 0.00001; gnomAD exomes 0.00002.
gnomAD v4.1: 33 of 1,613,920 alleles (0.002%); highest among the groups gnomAD compares: Non-Finnish European, 0.0027%; no homozygotes.

Submissions (5):

Victorian Clinical Genetics Services, Murdoch Childrens Research Institute
Classification: Uncertain significance for Polycystic kidney disease 4. Last evaluated: 2025-03-13. Review status: criteria provided, single submitter. Criteria: ACMG Guidelines, 2015. Collection method: clinical testing. Allele origin: germline. Affected: yes.
Comment: This variant is classified as VUS-3A. Evidence in support of pathogenic classification: Variant is present in gnomAD <0.01 for a recessive condition (v4: 33 heterozygote(s), 0 homozygote(s)); This variant has moderate previous evidence of pathogenicity in unrelated individuals. This variant has been classified as likely pathogenic and as a VUS by clinical laboratories in ClinVar, and reported in the literature in an individual with isolated bilateral hyperechogenic kidneys (PMID: 30650191); Missense variant predicted to be damaging by in silico tool(s) or highly conserved with a major amino acid change. Additional information: Variant is predicted to result in a missense amino acid change from glycine to aspartic acid; This variant is heterozygous; This gene is associated with autosomal recessive disease; however, there are emerging reports of heterozygous carriers of PKHD1 variants developing liver cysts and nephrocalcinosis (PMID: 21945273, 36691356); Alternative amino acid change(s) at the same position are present in gnomAD (highest allele count: v4: 1 heterozygote(s), 0 homozygote(s)); No published segregation evidence has been identified for this variant; No published functional evidence has been identified for this variant; No comparable missense variants have previous evidence for pathogenicity; Variant is not located in an established domain, motif, hotspot or informative constraint region; Loss of function is a known mechanism of disease in this gene and is associated with polycystic kidney disease 4, with or without hepatic disease (MIM#263200); Variants in this gene are known to have variable expressivity. Significant intrafamilial variability has been reported (PMID: 20301501); Inheritance information for this variant is not currently available in this individual.

PreventionGenetics, part of Exact Sciences
Classification: Likely pathogenic for PKHD1-related condition. Last evaluated: 2025-03-10. Review status: criteria provided, single submitter. Criteria: ACMG Guidelines, 2015. Collection method: clinical testing. Allele origin: germline.
Comment: The PKHD1 c.9308G>A variant is predicted to result in the amino acid substitution p.Gly3103Asp. With a pathogenic PKHD1 frameshift variant c.353delG (p.S118Ifs*35), this missense variant has been reported in a prenatal case with isolated bilateral hyperechogenic kidneys, but the phase was unknown (Shuster et al. 2019. PubMed ID: 30650191). The p.Gly3103Asp variant is rare in the general population. This variant is interpreted as likely pathogenic.

Women's Health and Genetics/Laboratory Corporation of America, LabCorp
Classification: Uncertain significance. Last evaluated: 2023-11-15. Review status: criteria provided, single submitter. Criteria: LabCorp Variant Classification Summary - May 2015. Collection method: clinical testing. Allele origin: germline.
Comment: Variant summary: PKHD1 c.9308G>A (p.Gly3103Asp) results in a non-conservative amino acid change located in the Right handed beta helix domain (IPR039448) of the encoded protein sequence. Five of five in-silico tools predict a damaging effect of the variant on protein function. The variant allele was found at a frequency of 8e-06 in 251136 control chromosomes. The available data on variant occurrences in the general population are insufficient to allow any conclusion about variant significance. c.9308G>A has been reported in the literature in individuals affected with bilateral hyperchogenic kidneys (Shuster_2019). These report(s) do not provide unequivocal conclusions about association of the variant with Polycystic Kidney And Hepatic Disease. To our knowledge, no experimental evidence demonstrating an impact on protein function has been reported. The following publication have been ascertained in the context of this evaluation (PMID: 30650191). No submitters have cited clinical-significance assessments for this variant to ClinVar after 2014. Based on the evidence outlined above, the variant was classified as uncertain significance.

GeneDx
Classification: Likely pathogenic. Last evaluated: 2023-07-10. Review status: criteria provided, single submitter. Criteria: GeneDx Variant Classification Process June 2021. Collection method: clinical testing. Allele origin: germline. Affected: yes.
Comment: In silico analysis supports that this missense variant has a deleterious effect on protein structure/function; Not observed at a significant frequency in large population cohorts (gnomAD); This variant is associated with the following publications: (PMID: 30650191)

Blueprint Genetics
Classification: Likely pathogenic for PKHD1-related disorders. Last evaluated: 2023-07-06. Review status: criteria provided, single submitter. Criteria: ACMG Guidelines, 2015. Collection method: clinical testing. Allele origin: germline. Affected: yes. Observed: 2 variant alleles.

Literature cited by the submitters: PubMed 30650191 (cited by Victorian Clinical Genetics Services, Murdoch Childrens Research Institute and Women's Health and Genetics/Laboratory Corporation of America, LabCorp); PubMed 20301501 (cited by Victorian Clinical Genetics Services, Murdoch Childrens Research Institute); PubMed 36691356 (cited by Victorian Clinical Genetics Services, Murdoch Childrens Research Institute); PubMed 21945273 (cited by Victorian Clinical Genetics Services, Murdoch Childrens Research Institute).

NM_138694.4(PKHD1):c.9308G>A (p.Gly3103Asp)

Gene: PKHD1 (PKHD1 ciliary IPT domain containing fibrocystin/polyductin; minus strand). Cytogenetic location: 6p12.3.
Variant type: single nucleotide variant.
Coding change: c.9308G>A on transcript NM_138694.4 (MANE Select); coding-DNA position 9308, G replaced by A.
Protein change: p.Gly3103Asp; replaces glycine 3103 with aspartic acid.
Molecular consequence: missense variant.
Genome position (GRCh38, 1-based): chr6:51,748,308, C>T on the plus strand (G>A on the coding strand, the complement: PKHD1 is on the minus strand). VCF-style: chr6-51748308-C-T. GRCh37 (hg19) VCF-style: chr6-51613106-C-T.
Other names: c.9308G>A, p.Gly3103Asp (NM_170724.3); short protein forms G3103D.
Identifiers: ClinVar variation 2571802 (VCV002571802.9), dbSNP rs753264751, ClinGen allele CA3851411.